The following is an entry in ClinVar:

NM_004304.5(ALK):c.311C>T (p.Pro104Leu)

Gene: ALK (ALK receptor tyrosine kinase; minus strand). Cytogenetic location: 2p23.1.
Variant type: single nucleotide variant.
Coding change: c.311C>T on transcript NM_004304.5 (MANE Select); coding-DNA position 311, C replaced by T.
Protein change: p.Pro104Leu; replaces proline 104 with leucine.
Molecular consequence: missense variant.
Genome position (GRCh38, 1-based): chr2:29,920,349, G>A on the plus strand (C>T on the coding strand, the complement: ALK is on the minus strand). VCF-style: chr2-29920349-G-A. GRCh37 (hg19) VCF-style: chr2-30143215-G-A.
Other names: short protein forms P104L.
Identifiers: ClinVar variation 3853985 (VCV003853985.1).
Genomic context (GRCh38, chr2:29,920,349, plus strand): 5'-GACAGCGTCCGGGCCTCTGCCGGGGCTGGTGAACCGGCGGTCCAGGAGACCCCCGGCGCC[G>A]GCCCCAGCAACCTGAGCAGCGGGGCGCAGTCCAGAGCTAGCGAGCCGCGGGCCTCGGGCC-3'
Protein context (NP_004295.2, residues 94-114): DCAPLLRLLG[Pro104Leu]APGVSWTAGS

ClinVar aggregate classification (germline): Uncertain significance (1 of 4 stars; one submission).

Conditions:
Hereditary cancer-predisposing syndrome. Also called: Hereditary neoplastic syndrome; Neoplastic Syndromes, Hereditary; Tumor predisposition; Hereditary Cancer Syndrome. Identifiers: Orphanet 140162, MedGen C0027672, MeSH D009386, MONDO:0015356.

gnomAD v4.1: 1 of 1,551,862 alleles (0.000064%); highest among the groups gnomAD compares: African/African-American, 0.0014%; no homozygotes.

Submission:

Ambry Genetics
Classification: Uncertain significance for Hereditary cancer-predisposing syndrome. Last evaluated: 2025-01-20. Review status: criteria provided, single submitter. Criteria: Ambry Variant Classification Scheme 2023. Collection method: clinical testing. Allele origin: germline.
Comment: The p.P104L variant (also known as c.311C>T), located in coding exon 1 of the ALK gene, results from a C to T substitution at nucleotide position 311. The proline at codon 104 is replaced by leucine, an amino acid with similar properties. This amino acid position is not well conserved in available vertebrate species. In addition, this alteration is predicted to be tolerated by in silico analysis. Based on the available evidence, the clinical significance of this variant remains unclear.